The following is an entry in ClinVar:

ClinVar aggregate classification (germline): Uncertain significance (1 of 4 stars; one submission).

gnomAD v4.1: 2 of 1,613,746 alleles (0.00012%); highest among the groups gnomAD compares: Non-Finnish European, 0.00017%; no homozygotes.

Submission:

CeGaT Center for Human Genetics Tuebingen
Classification: Uncertain significance. Last evaluated: 2025-11-01. Review status: criteria provided, single submitter. Criteria: CeGaT Center For Human Genetics Tuebingen Variant Classification Criteria Version 2. Collection method: clinical testing. Allele origin: germline. Affected: yes. Observed: 1 variant allele.
Comment: ZNF462: PM2:Supporting

NM_021224.6(ZNF462):c.6862C>T (p.Arg2288Trp)

Genes: ZNF462 (zinc finger protein 462; plus strand), LOC340512 (uncharacterized LOC340512; minus strand). Cytogenetic location: 9q31.2.
Variant type: single nucleotide variant.
Coding change: c.6862C>T on transcript NM_021224.6 (MANE Select); coding-DNA position 6862, C replaced by T.
Protein change: p.Arg2288Trp; replaces arginine 2288 with tryptophan.
Molecular consequence: missense variant.
Genome position (GRCh38, 1-based): chr9:106,984,215, C>T. VCF-style: chr9-106984215-C-T. GRCh37 (hg19) VCF-style: chr9-109746496-C-T.
Other names: c.4267C>T, p.Arg1423Trp (NM_001347997.2); short protein forms R1423W, R2288W.
Identifiers: ClinVar variation 4535105 (VCV004535105.6).